The following is an entry in ClinVar:

NM_203288.2(RP9):c.629A>G (p.Lys210Arg)

Gene: RP9 (RP9 pre-mRNA splicing factor; minus strand). Cytogenetic location: 7p14.3.
Variant type: single nucleotide variant.
Coding change: c.629A>G on transcript NM_203288.2 (MANE Select); coding-DNA position 629, A replaced by G.
Protein change: p.Lys210Arg; replaces lysine 210 with arginine.
Molecular consequence: missense variant.
Genome position (GRCh38, 1-based): chr7:33,095,271, T>C on the plus strand (A>G on the coding strand, the complement: RP9 is on the minus strand). VCF-style: chr7-33095271-T-C. GRCh37 (hg19) VCF-style: chr7-33134883-T-C.
Other names: short protein forms K210R.
Identifiers: ClinVar variation 167609 (VCV000167609.18), dbSNP rs150987618, ClinGen allele CA180402.
Genomic context (GRCh38, chr7:33,095,271, plus strand): 5'-ATGTTGAACAAGTCACATCCTTGTCACTCTGAGTCAGAACCCTCATTTGACTTGGAAGAT[T>C]TGTGCTTCCGTTTTTTCTTCTTTTTCTTTTCTTTCTTCCTTTTCTTATGCTTTTCTTTCT-3'
Protein context (NP_976033.1, residues 200-220): EKKKKKKRKH[Lys210Arg]SSKSNEGSDS

ClinVar aggregate classification (germline): Benign. Review status: criteria provided, multiple submitters, no conflicts (2 of 4 stars). 7 submissions from 7 submitters: Benign (6). 1 of the submissions does not count toward it. Last evaluated 2023-11-07.

Conditions:
Retinal dystrophy. Also called: Inherited retinal dystrophy. Identifiers: Orphanet 71862, MedGen C0854723, MeSH D058499, MONDO:0019118, HP:0000556.
Retinitis pigmentosa (RP). Identifiers: Orphanet 791, MedGen C0035334, MeSH D012174, MONDO:0019200, OMIM 268000. Inheritance: Autosomal dominant, autosomal recessive and X linked inheritance.
Retinitis pigmentosa 9 (RP9). Identifiers: Orphanet 791, MedGen C1867300, MONDO:0008378, OMIM 180104.

Allele frequency attached by ClinVar (database versions not stated): ESP Exome Variant Server 0.16785; gnomAD 0.16956 and 0.16255; TOPMed 0.15780; 1000 Genomes Project 0.17552; ExAC 0.20785; gnomAD exomes 0.22490 and 0.20440; 1000 Genomes Project 30x 0.16880.
gnomAD v4.1: 353,242 of 1,611,264 alleles (22%); highest among the groups gnomAD compares: South Asian, 32%; 40,296 homozygotes.

Submissions (7):

ARUP Laboratories, Molecular Genetics and Genomics, ARUP Laboratories
Classification: Benign for Retinitis pigmentosa 9. Last evaluated: 2023-11-07. Review status: criteria provided, single submitter. Criteria: ARUP Molecular Germline Variant Investigation Process 2024. Collection method: clinical testing. Allele origin: germline.

Genome-Nilou Lab
Classification: Benign for Retinitis pigmentosa 9. Last evaluated: 2021-11-07. Review status: criteria provided, single submitter. Criteria: ACMG Guidelines, 2015. Collection method: clinical testing. Allele origin: germline. Affected: no.

Labcorp Genetics (formerly Invitae), Labcorp
Classification: Benign. Last evaluated: 2019-12-31. Review status: criteria provided, single submitter. Criteria: Invitae Variant Classification Sherloc (09022015). Collection method: clinical testing. Allele origin: germline.

Mendelics
Classification: Benign for Retinitis pigmentosa 9. Last evaluated: 2019-05-28. Review status: criteria provided, single submitter. Criteria: Mendelics Assertion Criteria 2017. Collection method: clinical testing. Allele origin: unknown.

Illumina Laboratory Services, Illumina
Classification: Benign for Retinitis pigmentosa. Last evaluated: 2018-01-13. Review status: criteria provided, single submitter. Criteria: ICSL Variant Classification Criteria 13 December 2019. Collection method: clinical testing. Allele origin: germline.
Comment: This variant was observed in the ICSL laboratory as part of a predisposition screen in an ostensibly healthy population. It had not been previously curated by ICSL or reported in the Human Gene Mutation Database (HGMD: prior to June 1st, 2018), and was therefore a candidate for classification through an automated scoring system. Utilizing variant allele frequency, disease prevalence and penetrance estimates, and inheritance mode, an automated score was calculated to assess if this variant is too frequent to cause the disease. Based on the score and internal cut-off values, a variant classified as benign is not then subjected to further curation. The score for this variant resulted in a classification of benign for this disease.

Eurofins Ntd Llc (ga)
Classification: Benign. Last evaluated: 2015-11-07. Review status: criteria provided, single submitter. Criteria: EGL Classification Definitions 2015. Collection method: clinical testing. Allele origin: germline. Observed: 8 variant alleles, 7 heterozygotes, 1 homozygote.

Institute of Human Genetics, Univ. Regensburg, Univ. Regensburg
Classification: Uncertain significance for Retinal dystrophy. Last evaluated: 2013-01-01. Review status: no assertion criteria provided. Criteria: ACMG Guidelines, 2015. Collection method: clinical testing. Allele origin: germline. Affected: yes. Not counted in ClinVar's aggregate classification.